The following is an entry in ClinVar:

NM_020297.4(ABCC9):c.1321-2A>G

Gene: ABCC9 (ATP binding cassette subfamily C member 9; minus strand). Cytogenetic location: 12p12.1.
Variant type: single nucleotide variant.
Coding change: c.1321-2A>G on transcript NM_020297.4 (MANE Select); the canonical splice acceptor site of the intron before coding-DNA position 1321, A replaced by G.
Molecular consequence: splice acceptor variant.
Genome position (GRCh38, 1-based): chr12:21,908,213, T>C on the plus strand (A>G on the coding strand, the complement: ABCC9 is on the minus strand). VCF-style: chr12-21908213-T-C. GRCh37 (hg19) VCF-style: chr12-22061147-T-C.
Other names: c.457-2A>G (NM_001377274.1); c.1321-2A>G (NM_005691.4, NM_001377273.1).
Identifiers: ClinVar variation 1485362 (VCV001485362.8), dbSNP rs2137852356, ClinGen allele CA384140323.

ClinVar aggregate classification (germline): Likely pathogenic (1 of 4 stars; one submission).

Conditions:
Dilated cardiomyopathy 1O (CMD1O). Also called: CARDIOMYOPATHY, DILATED, WITH VENTRICULAR TACHYCARDIA. Identifiers: Orphanet 154, MedGen C1837839, MONDO:0012062, OMIM 608569.

Submission:

Labcorp Genetics (formerly Invitae), Labcorp
Classification: Likely pathogenic for Dilated cardiomyopathy 1O. Last evaluated: 2025-01-06. Review status: criteria provided, single submitter. Criteria: Invitae Variant Classification Sherloc (09022015). Collection method: clinical testing. Allele origin: germline.
Comment: This sequence change affects an acceptor splice site in intron 8 of the ABCC9 gene. It is expected to disrupt RNA splicing. Variants that disrupt the donor or acceptor splice site typically lead to a loss of protein function (PMID: 16199547), and loss-of-function variants in ABCC9 are known to be pathogenic (PMID: 31575858, 38217872). This variant is not present in population databases (gnomAD no frequency). This variant has not been reported in the literature in individuals affected with ABCC9-related conditions. ClinVar contains an entry for this variant (Variation ID: 1485362). Algorithms developed to predict the effect of sequence changes on RNA splicing suggest that this variant may disrupt the consensus splice site. In summary, the currently available evidence indicates that the variant is pathogenic, but additional data are needed to prove that conclusively. Therefore, this variant has been classified as Likely Pathogenic.

Literature cited by the submitters: PubMed 16199547; PubMed 31575858; PubMed 38217872.